The following is an entry in ClinVar:

NM_001042492.3(NF1):c.2227T>A (p.Ser743Thr)

Gene: NF1 (neurofibromin 1; plus strand). Cytogenetic location: 17q11.2.
Variant type: single nucleotide variant.
Coding change: c.2227T>A on transcript NM_001042492.3 (MANE Select); coding-DNA position 2227, T replaced by A.
Protein change: p.Ser743Thr; replaces serine 743 with threonine.
Molecular consequence: missense variant.
Genome position (GRCh38, 1-based): chr17:31,226,660, T>A. VCF-style: chr17-31226660-T-A. GRCh37 (hg19) VCF-style: chr17-29553678-T-A.
Other names: c.2227T>A, p.Ser743Thr (NM_000267.4); short protein forms S743T.
Identifiers: ClinVar variation 3879118 (VCV003879118.1).

ClinVar aggregate classification (germline): Uncertain significance (1 of 4 stars; one submission).

Conditions:
Cardiovascular phenotype. Identifiers: MedGen CN230736.
Hereditary cancer-predisposing syndrome. Also called: Tumor predisposition; Neoplastic Syndromes, Hereditary; Hereditary Cancer Syndrome; Hereditary neoplastic syndrome. Identifiers: Orphanet 140162, MedGen C0027672, MeSH D009386, MONDO:0015356.

Submission:

Ambry Genetics
Classification: Uncertain significance for Cardiovascular phenotype; Hereditary cancer-predisposing syndrome. Last evaluated: 2025-02-14. Review status: criteria provided, single submitter. Criteria: Ambry Variant Classification Scheme 2023. Collection method: clinical testing. Allele origin: germline.
Comment: The p.S743T variant (also known as c.2227T>A), located in coding exon 18 of the NF1 gene, results from a T to A substitution at nucleotide position 2227. The serine at codon 743 is replaced by threonine, an amino acid with similar properties. This amino acid position is conserved. In addition, this alteration is predicted to be tolerated by in silico analysis. Based on the available evidence, the clinical significance of this variant remains unclear.